The following is an entry in ClinVar:

NM_003072.5(SMARCA4):c.1943+3G>A

Gene: SMARCA4 (SWI/SNF related BAF chromatin remodeling complex subunit ATPase 4; plus strand). Cytogenetic location: 19p13.2.
Variant type: single nucleotide variant.
Coding change: c.1943+3G>A on transcript NM_003072.5 (MANE Select); 3 bases into the intron after coding-DNA position 1943, G replaced by A.
Molecular consequence: intron variant.
Genome position (GRCh38, 1-based): chr19:11,003,162, G>A. VCF-style: chr19-11003162-G-A. GRCh37 (hg19) VCF-style: chr19-11113838-G-A.
Other names: c.1943+3G>A (NM_001128844.3, NM_001128849.3, NM_001128847.4 and 6 more transcripts).
Identifiers: ClinVar variation 2587135 (VCV002587135.5), dbSNP rs1600133534, ClinGen allele CA2322716289.

ClinVar aggregate classification (germline): Uncertain significance. Review status: criteria provided, multiple submitters, no conflicts (2 of 4 stars). 2 submissions from 2 submitters: Uncertain significance (2). Last evaluated 2024-12-23.

Conditions:
Hereditary cancer-predisposing syndrome. Also called: Tumor predisposition; Hereditary Cancer Syndrome; Hereditary neoplastic syndrome; Neoplastic Syndromes, Hereditary. Identifiers: Orphanet 140162, MedGen C0027672, MeSH D009386, MONDO:0015356.
Rhabdoid tumor predisposition syndrome 2 (RTPS2). Identifiers: Orphanet 231108, Orphanet 69077, MedGen C2750074, MONDO:0013224, OMIM 613325.

Allele frequency attached by ClinVar (database versions not stated): TOPMed below 0.00001.
gnomAD v4.1: 2 of 1,614,142 alleles (0.00012%); highest among the groups gnomAD compares: African/African-American, 0.0027%; no homozygotes.

Submissions (2):

Labcorp Genetics (formerly Invitae), Labcorp
Classification: Uncertain significance for Rhabdoid tumor predisposition syndrome 2. Last evaluated: 2024-12-23. Review status: criteria provided, single submitter. Criteria: Invitae Variant Classification Sherloc (09022015). Collection method: clinical testing. Allele origin: germline.
Comment: This sequence change falls in intron 12 of the SMARCA4 gene. It does not directly change the encoded amino acid sequence of the SMARCA4 protein. It affects a nucleotide within the consensus splice site. This variant is not present in population databases (gnomAD no frequency). This variant has not been reported in the literature in individuals affected with SMARCA4-related conditions. ClinVar contains an entry for this variant (Variation ID: 2587135). Variants that disrupt the consensus splice site are a relatively common cause of aberrant splicing (PMID: 17576681, 9536098). Algorithms developed to predict the effect of sequence changes on RNA splicing suggest that this variant is not likely to affect RNA splicing. In summary, the available evidence is currently insufficient to determine the role of this variant in disease. Therefore, it has been classified as a Variant of Uncertain Significance.

Ambry Genetics
Classification: Uncertain significance for Hereditary cancer-predisposing syndrome. Last evaluated: 2023-08-11. Review status: criteria provided, single submitter. Criteria: Ambry Variant Classification Scheme 2023. Collection method: clinical testing. Allele origin: germline.
Comment: The c.1943+3G>A intronic variant results from a G to A substitution 3 nucleotides after coding exon 11 in the SMARCA4 gene. This nucleotide position is not well conserved in available vertebrate species. In silico splice site analysis predicts that this alteration will not have any significant effect on splicing. Since supporting evidence is limited at this time, the clinical significance of this alteration remains unclear.

Literature cited by the submitters: PubMed 17576681 (cited by Labcorp Genetics (formerly Invitae), Labcorp); PubMed 9536098 (cited by Labcorp Genetics (formerly Invitae), Labcorp).